The following is an entry in ClinVar:

NM_014875.3(KIF14):c.2136C>T (p.Asn712=)

Gene: KIF14 (kinesin family member 14; minus strand). Cytogenetic location: 1q32.1.
Variant type: single nucleotide variant.
Coding change: c.2136C>T on transcript NM_014875.3 (MANE Select); coding-DNA position 2136, C replaced by T.
Protein change: p.Asn712=; no amino-acid change (asparagine 712 retained).
Molecular consequence: synonymous variant.
Genome position (GRCh38, 1-based): chr1:200,601,912, G>A on the plus strand (C>T on the coding strand, the complement: KIF14 is on the minus strand). VCF-style: chr1-200601912-G-A. GRCh37 (hg19) VCF-style: chr1-200571040-G-A.
Other names: c.663C>T, p.Asn221= (NM_001305792.1).
Identifiers: ClinVar variation 1336207 (VCV001336207.42), dbSNP rs145353826, ClinGen allele CA1317610.

ClinVar aggregate classification (germline): Benign/Likely benign. Review status: criteria provided, multiple submitters, no conflicts (2 of 4 stars). 4 submissions from 4 submitters: Benign (1); Likely benign (3). Last evaluated 2026-06-01.

Allele frequency attached by ClinVar (database versions not stated): ESP Exome Variant Server 0.00092; gnomAD exomes 0.00096; ExAC 0.00098; gnomAD 0.00101.
gnomAD v4.1: 1,373 of 1,608,948 alleles (0.085%); highest among the groups gnomAD compares: Non-Finnish European, 0.099%; 2 homozygotes.

Submissions (4):

CeGaT Center for Human Genetics Tuebingen
Classification: Likely benign. Last evaluated: 2026-06-01. Review status: criteria provided, single submitter. Criteria: CeGaT Center For Human Genetics Tuebingen Variant Classification Criteria Version 2. Collection method: clinical testing. Allele origin: germline. Affected: yes. Observed: 18 variant alleles.
Comment: KIF14: BP4, BP7

Labcorp Genetics (formerly Invitae), Labcorp
Classification: Benign. Last evaluated: 2026-01-19. Review status: criteria provided, single submitter. Criteria: Invitae Variant Classification Sherloc (09022015). Collection method: clinical testing. Allele origin: germline.

Blueprint Genetics
Classification: Likely benign. Last evaluated: 2024-11-14. Review status: criteria provided, single submitter. Criteria: ACMG Guidelines, 2015. Collection method: clinical testing. Allele origin: germline.

Genetic Services Laboratory, University of Chicago
Classification: Likely benign. Last evaluated: 2019-11-22. Review status: criteria provided, single submitter. Criteria: ACMG Guidelines, 2015. Collection method: clinical testing. Allele origin: germline. Affected: no.